The following is an entry in ClinVar:

NM_201384.3(PLEC):c.11077G>A (p.Ala3693Thr)

Gene: PLEC (plectin; minus strand). Cytogenetic location: 8q24.3.
Variant type: single nucleotide variant.
Coding change: c.11077G>A on transcript NM_201384.3 (MANE Select); coding-DNA position 11077, G replaced by A.
Protein change: p.Ala3693Thr; replaces alanine 3693 with threonine.
Molecular consequence: missense variant.
Genome position (GRCh38, 1-based): chr8:143,918,744, C>T on the plus strand (G>A on the coding strand, the complement: PLEC is on the minus strand). VCF-style: chr8-143918744-C-T. GRCh37 (hg19) VCF-style: chr8-144992912-C-T.
Other names: c.11158G>A, p.Ala3720Thr (NM_000445.5); c.11035G>A, p.Ala3679Thr (NM_201378.4); c.11011G>A, p.Ala3671Thr (NM_201379.3); c.11488G>A, p.Ala3830Thr (NM_201380.4); c.10981G>A, p.Ala3661Thr (NM_201381.3); c.11077G>A, p.Ala3693Thr (NM_201382.4); c.11089G>A, p.Ala3697Thr (NM_201383.3); short protein forms A3661T, A3679T, A3720T, A3693T, A3697T, A3830T, A3671T.
Identifiers: ClinVar variation 283247 (VCV000283247.27), dbSNP rs369497741, ClinGen allele CA4924441.
Genomic context (GRCh38, chr8:143,918,744, plus strand): 5'-CTTTCTTGAGAGCCTGGTAGATGCTCAGTGTCTGCCTGGAACCGGGCAGGTAGACACCAG[C>T]CACGGAGCCCGTGCCATAGAGGTAGCACCAGGCGGACTCCGCCTCGAGAGCCTCACGGAG-3'
Protein context (NP_958786.1, residues 3683-3703): WCYLYGTGSV[Ala3693Thr]GVYLPGSRQT

ClinVar aggregate classification (germline): Conflicting classifications of pathogenicity. Review status: criteria provided, conflicting classifications (1 of 4 stars). 11 submissions from 11 submitters: Uncertain significance (3); Likely benign (6). 2 of the submissions do not count toward it. Last evaluated 2026-09-01.

Conditions:
PLEC-related disorder. Also called: PLEC-related condition; PLEC-related disorders.
Epidermolysis bullosa simplex with nail dystrophy (EBS5D). Identifiers: MedGen C4225309, MONDO:0014661, OMIM 616487.
Epidermolysis bullosa simplex 5C, with pyloric atresia (EBS5C). Also called: PLEC-Related Epidermolysis Bullosa with Pyloric Atresia; PLEC1-Related Epidermolysis Bullosa with Pyloric Atresia; Epidermolysis bullosa simplex with pyloric atresia. Identifiers: Orphanet 158684, MedGen C2677349, MONDO:0012807, OMIM 612138.
Autosomal recessive limb-girdle muscular dystrophy type 2Q (LGMDR17). Also called: MUSCULAR DYSTROPHY, LIMB-GIRDLE, AUTOSOMAL RECESSIVE 17. Identifiers: Orphanet 254361, MedGen C3150989, MONDO:0013390, OMIM 613723.
Epidermolysis bullosa simplex, Ogna type (EBS5A). Also called: Pidermolysis bullosa simplex 5A, Ogna type; EPIDERMOLYSIS BULLOSA SIMPLEX 5A, OGNA TYPE. Identifiers: Orphanet 79401, MedGen C0432317, MONDO:0007555, OMIM 131950.
Epidermolysis bullosa simplex 5B, with muscular dystrophy (EBS5B). Also called: EPIDERMOLYSIS BULLOSA SIMPLEX AND LIMB-GIRDLE MUSCULAR DYSTROPHY; Epidermolysis bullosa simplex with muscular dystrophy. Identifiers: Orphanet 257, MedGen C2931072, MONDO:0009181, OMIM 226670.
Inborn genetic diseases. Identifiers: MedGen C0950123, MeSH D030342.

Allele frequency attached by ClinVar (database versions not stated): gnomAD exomes 0.00004 and 0.00020; gnomAD 0.00009 and 0.00011; TOPMed 0.00020; ExAC 0.00021; 1000 Genomes Project 30x 0.00031; 1000 Genomes Project 0.00060.
gnomAD v4.1: 137 of 1,613,038 alleles (0.0085%); highest among the groups gnomAD compares: East Asian, 0.14%; 1 homozygote.

Submissions (11):

CeGaT Center for Human Genetics Tuebingen
Classification: Likely benign. Last evaluated: 2026-09-01. Review status: criteria provided, single submitter. Criteria: CeGaT Center For Human Genetics Tuebingen Variant Classification Criteria Version 2. Collection method: clinical testing. Allele origin: germline. Affected: yes. Observed: 1 variant allele.
Comment: PLEC: BS2

Ambry Genetics
Classification: Uncertain significance for Inborn genetic diseases. Last evaluated: 2025-12-22. Review status: criteria provided, single submitter. Criteria: Ambry Variant Classification Scheme 2023. Collection method: clinical testing. Allele origin: germline.

Labcorp Genetics (formerly Invitae), Labcorp
Classification: Likely benign for Autosomal recessive limb-girdle muscular dystrophy type 2Q; Epidermolysis bullosa simplex, Ogna type; Epidermolysis bullosa simplex with nail dystrophy; Epidermolysis bullosa simplex 5C, with pyloric atresia; Epidermolysis bullosa simplex 5B, with muscular dystrophy. Last evaluated: 2025-09-24. Review status: criteria provided, single submitter. Criteria: Invitae Variant Classification Sherloc (09022015). Collection method: clinical testing. Allele origin: germline.

Revvity Omics, Revvity
Classification: Uncertain significance. Last evaluated: 2025-01-29. Review status: criteria provided, single submitter. Criteria: ACMG Guidelines, 2015. Collection method: clinical testing. Allele origin: germline.

PreventionGenetics, part of Exact Sciences
Classification: Likely benign for PLEC-related condition. Last evaluated: 2024-12-20. Review status: criteria provided, single submitter. Criteria: ACMG Guidelines, 2015. Collection method: clinical testing. Allele origin: germline.
Comment: This variant is classified as likely benign based on ACMG/AMP sequence variant interpretation guidelines (Richards et al. 2015 PMID: 25741868, with internal and published modifications).

Blueprint Genetics
Classification: Likely benign. Last evaluated: 2024-10-28. Review status: criteria provided, single submitter. Criteria: ACMG Guidelines, 2015. Collection method: clinical testing. Allele origin: germline.

Dubai Health Genomic Medicine Center, Dubai Health
Classification: Likely benign for Autosomal recessive limb-girdle muscular dystrophy type 2Q. Last evaluated: 2020-03-30. Review status: criteria provided, single submitter. Criteria: ACMG Guidelines, 2015. Collection method: clinical testing. Allele origin: germline. Affected: yes.

Eurofins Ntd Llc (ga)
Classification: Uncertain significance. Last evaluated: 2018-05-18. Review status: criteria provided, single submitter. Criteria: EGL ClinVar v180209 classification definitions. Collection method: clinical testing. Allele origin: germline. Observed: 3 variant alleles, 3 heterozygotes.

GeneDx
Classification: Likely benign. Last evaluated: 2017-07-28. Review status: criteria provided, single submitter. Criteria: GeneDx Variant Classification (06012015). Collection method: clinical testing. Allele origin: germline. Affected: yes.
Comment: This variant is considered likely benign or benign based on one or more of the following criteria: it is a conservative change, it occurs at a poorly conserved position in the protein, it is predicted to be benign by multiple in silico algorithms, and/or has population frequency not consistent with disease.

Clinical Genetics DNA and cytogenetics Diagnostics Lab, Erasmus MC, Erasmus Medical Center
Classification: Uncertain significance. Review status: no assertion criteria provided. Collection method: clinical testing. Allele origin: germline. Affected: yes. Study: VKGL Data-share Consensus. Not counted in ClinVar's aggregate classification.

Genome Diagnostics Laboratory, University Medical Center Utrecht
Classification: Uncertain significance. Review status: no assertion criteria provided. Collection method: clinical testing. Allele origin: germline. Affected: yes. Study: VKGL Data-share Consensus. Not counted in ClinVar's aggregate classification.